The following is an entry in ClinVar:

NM_030948.6(PHACTR1):c.1555C>G (p.Leu519Val)

Genes: PHACTR1 (phosphatase and actin regulator 1; plus strand), TBC1D7-LOC100130357 (TBC1D7-LOC100130357 readthrough; minus strand), LOC100130357 (uncharacterized LOC100130357; minus strand). Cytogenetic location: 6p24.1.
Variant type: single nucleotide variant.
Coding change: c.1555C>G on transcript NM_030948.6 (MANE Select); coding-DNA position 1555, C replaced by G.
Protein change: p.Leu519Val; replaces leucine 519 with valine.
Molecular consequence: missense variant. On other transcripts: intron variant (1).
Genome position (GRCh38, 1-based): chr6:13,283,467, C>G. VCF-style: chr6-13283467-C-G. GRCh37 (hg19) VCF-style: chr6-13283699-C-G.
Other names: c.1555C>G, p.Leu519Val (NM_001242648.4, NM_001322308.3, NM_001322309.3 and 1 more transcripts); c.1762C>G, p.Leu588Val (NM_001322310.2); c.1279C>G, p.Leu427Val (NM_001322311.2, NM_001322312.3, NM_001374583.2); c.1486C>G, p.Leu496Val (NM_001322313.2); c.1765C>G, p.Leu589Val (NM_001322314.4); c.*40-15632G>C (NM_001318809.2); short protein forms L427V, L496V, L519V, L588V, L589V.
Identifiers: ClinVar variation 3377117 (VCV003377117.1).

ClinVar aggregate classification (germline): Uncertain significance (1 of 4 stars; one submission).

Conditions:
Developmental and epileptic encephalopathy, 70. Also called: EPILEPTIC ENCEPHALOPATHY, EARLY INFANTILE, 70. Identifiers: MedGen C4749023, MONDO:0032663, OMIM 618298.

Submission:

Victorian Clinical Genetics Services, Murdoch Childrens Research Institute
Classification: Uncertain significance for Developmental and epileptic encephalopathy, 70. Last evaluated: 2024-10-09. Review status: criteria provided, single submitter. Criteria: ACMG Guidelines, 2015. Collection method: clinical testing. Allele origin: germline. Inheritance: Autosomal dominant inheritance. Affected: yes.
Comment: Based on the classification scheme VCGS_Germline_v1.3.4, this variant is classified as VUS-3A. Following criteria are met: 0104 - Dominant negative is a likely mechanism of disease in this gene and is associated with developmental and epileptic encephalopathy 70 (MIM#618298). Functional assays have demonstrated that missense variants co-electroporated with wildtype constructs into cortical neurons maintained neuronal migration defects. However, there is also evidence indicating increased PPI binding, suggestive of a gain of function mechanism (PMID: 30256902, 33463715). (I) 0107 - This gene is associated with autosomal dominant disease. (I) 0200 - Variant is predicted to result in a missense amino acid change from leucine to valine. (I) 0251 - This variant is heterozygous. (I) 0301 - Variant is absent from gnomAD (both v2 and v3). (SP) 0502 - Missense variant with conflicting in silico predictions and uninformative conservation. (I) 0600 - Variant is located in the annotated RPEL domain (DECIPHER). (I) 0704 - Another missense variant comparable to the one identified in this case has limited previous evidence for pathogenicity. In vitro analysis demonstrated that this variant reduces the affinity of PHACTR1 for G-actin, and increased its propensity to form complexes with the catalytic subunit of PP1 (PMID: 33463715). (SP) 0807 - This variant has no previous evidence of pathogenicity. (I) 0905 - No published segregation evidence has been identified for this variant. (I) 1007 - No published functional evidence has been identified for this variant. (I) 1208 - Inheritance information for this variant is not currently available in this individual. (I) Legend: (SP) - Supporting pathogenic, (I) - Information, (SB) - Supporting benign

Literature cited by the submitters: PubMed 30256902; PubMed 33463715.